The following is an entry in ClinVar:

ClinVar aggregate classification (germline): Uncertain significance (1 of 4 stars; one submission).

Submission:

Ambry Genetics
Classification: Uncertain significance. Last evaluated: 2026-03-03. Review status: criteria provided, single submitter. Criteria: Ambry Variant Classification Scheme 2023. Collection method: clinical testing. Allele origin: germline.
Comment: The c.669C>T variant (also known as p.V223V), located in coding exon 4 of the ATRIP gene, results from a C to T substitution at nucleotide position 669. This nucleotide substitution does not change the Valine at codon 223. This nucleotide position is well conserved in available vertebrate species. In silico splice site analysis predicts that this alteration may weaken the native splice donor site. The evidence for this gene-disease relationship is limited; therefore, the clinical significance of this variant is unclear.

NM_130384.3(ATRIP):c.669C>T (p.Val223=)

Genes: ATRIP (ATR interacting protein; plus strand), ATRIP-TREX1 (ATRIP-TREX1 readthrough; plus strand). Cytogenetic location: 3p21.31.
Variant type: single nucleotide variant.
Coding change: c.669C>T on transcript NM_130384.3 (MANE Select); coding-DNA position 669, C replaced by T.
Protein change: p.Val223=; no amino-acid change (valine 223 retained).
Molecular consequence: synonymous variant. On other transcripts: non-coding transcript variant (1).
Genome position (GRCh38, 1-based): chr3:48,454,416, C>T. VCF-style: chr3-48454416-C-T. GRCh37 (hg19) VCF-style: chr3-48495816-C-T.
Other names: c.288C>T, p.Val96= (NM_001271022.2); c.390C>T, p.Val130= (NM_001271023.2); c.669C>T, p.Val223= (NM_032166.4).
Identifiers: ClinVar variation 4842151 (VCV004842151.1).